The following is an entry in ClinVar:

NM_004415.4(DSP):c.8357A>T (p.Lys2786Met)

Gene: DSP (desmoplakin; plus strand). Cytogenetic location: 6p24.3.
Variant type: single nucleotide variant.
Coding change: c.8357A>T on transcript NM_004415.4 (MANE Select); coding-DNA position 8357, A replaced by T.
Protein change: p.Lys2786Met; replaces lysine 2786 with methionine.
Molecular consequence: missense variant.
Genome position (GRCh38, 1-based): chr6:7,585,619, A>T. VCF-style: chr6-7585619-A-T. GRCh37 (hg19) VCF-style: chr6-7585852-A-T.
Other names: p.K2786M:AAG>ATG; c.8357A>T (LRG_423t1); c.6560A>T, p.Lys2187Met (NM_001008844.3); c.7028A>T, p.Lys2343Met (NM_001319034.2); short protein forms K2786M, K2343M, K2187M.
Identifiers: ClinVar variation 199910 (VCV000199910.5), dbSNP rs794728134, ClinGen allele CA007494.

ClinVar aggregate classification (germline): Uncertain significance. Review status: criteria provided, multiple submitters, no conflicts (2 of 4 stars). 3 submissions from 3 submitters: Uncertain significance (3). Last evaluated 2025-05-30.

Conditions:
Arrhythmogenic cardiomyopathy with wooly hair and keratoderma. Also called: Carvajal syndrome; Dilated cardiomyopathy with woolly hair and keratoderma; Arrhythmogenic cardiomyopathy with woolly hair and keratoderma; PALMOPLANTAR KERATODERMA WITH LEFT VENTRICULAR CARDIOMYOPATHY AND WOOLLY HAIR. Identifiers: Orphanet 65282, MedGen C1854063, MONDO:0011581, OMIM 605676.
Arrhythmogenic right ventricular dysplasia 8 (ARVD8). Also called: Arrhythmogenic Right Ventricular Dysplasia/Cardiomyopathy 8; ARRHYTHMOGENIC RIGHT VENTRICULAR CARDIOMYOPATHY 8; ARRHYTHMOGENIC RIGHT VENTRICULAR DYSPLASIA, FAMILIAL, 8. Identifiers: MedGen C1843896, MONDO:0011831, OMIM 607450.
Cardiomyopathy (CMYO). Also called: Cardiomyopathies. Identifiers: Orphanet 167848, MedGen C0878544, MONDO:0004994, HP:0001638. Inheritance: Various modes of inheritance.

Submissions (3):

Color Diagnostics, LLC DBA Color Health
Classification: Uncertain significance for Cardiomyopathy. Last evaluated: 2025-05-30. Review status: criteria provided, single submitter. Criteria: ACMG Guidelines, 2015. Collection method: clinical testing. Allele origin: germline.
Comment: This missense variant replaces lysine with methionine at codon 2786 of the DSP protein. Computational prediction suggests that this variant may not impact protein structure and function. To our knowledge, functional studies have not been reported for this variant. This variant has not been reported in individuals affected with DSP-related disorders in the literature. This variant has not been identified in the general population by the Genome Aggregation Database (gnomAD). The available evidence is insufficient to determine the role of this variant in disease conclusively. Therefore, this variant is classified as a Variant of Uncertain Significance.

Labcorp Genetics (formerly Invitae), Labcorp
Classification: Uncertain significance for Arrhythmogenic cardiomyopathy with wooly hair and keratoderma; Arrhythmogenic right ventricular dysplasia 8. Last evaluated: 2025-01-31. Review status: criteria provided, single submitter. Criteria: Invitae Variant Classification Sherloc (09022015). Collection method: clinical testing. Allele origin: germline.
Comment: This sequence change replaces lysine, which is basic and polar, with methionine, which is neutral and non-polar, at codon 2786 of the DSP protein (p.Lys2786Met). This variant is not present in population databases (gnomAD no frequency). This variant has not been reported in the literature in individuals affected with DSP-related conditions. ClinVar contains an entry for this variant (Variation ID: 199910). An algorithm developed to predict the effect of missense changes on protein structure and function (PolyPhen-2) suggests that this variant is likely to be disruptive. In summary, the available evidence is currently insufficient to determine the role of this variant in disease. Therefore, it has been classified as a Variant of Uncertain Significance.

GeneDx
Classification: Uncertain significance. Last evaluated: 2013-04-02. Review status: criteria provided, single submitter. Criteria: GeneDx Variant Classification (06012015). Collection method: clinical testing. Allele origin: germline. Affected: yes.
Comment: p.Lys2786Met (AAG>ATG): c.8357 A>T in exon 24 of the DSP gene (NM_004415.2). The Lys2786Met variant in the DSP gene has not been reported as a disease-causing mutation or as a benign polymorphism to our knowledge. Lys2786Met results in a non-conservative amino acid substitution of a positively charged Lysine with a non-polar Methionine at a position that is well conserved in evolution. The Lys2786Met variant was not observed in approximately 6,500 individuals of European and African American ancestry in the NHLBI Exome Sequencing Project, indicating it is not a common benign variant in these populations. Nevertheless, no mutations in nearby codons have been reported in association with ARVC. With the clinical and molecular information available at this time, we cannot definitively determine if Lys2786Met is a disease-causing mutation or a rare benign variant. The variant is found in ARVC panel(s).